The following is an entry in ClinVar:

ClinVar aggregate classification (germline): Benign/Likely benign. Review status: criteria provided, multiple submitters, no conflicts (2 of 4 stars). 3 submissions from 3 submitters: Benign (1); Likely benign (1). 1 of the submissions does not count toward it. Last evaluated 2025-12-19.

Conditions:
SRP54-related disorder. Also called: SRP54-related condition.

Submissions (3):

Labcorp Genetics (formerly Invitae), Labcorp
Classification: Benign. Last evaluated: 2025-12-19. Review status: criteria provided, single submitter. Criteria: Invitae Variant Classification Sherloc (09022015). Collection method: clinical testing. Allele origin: germline.

Blueprint Genetics
Classification: Likely benign. Last evaluated: 2024-11-27. Review status: criteria provided, single submitter. Criteria: ACMG Guidelines, 2015. Collection method: clinical testing. Allele origin: germline.

PreventionGenetics, part of Exact Sciences
Classification: Likely benign for SRP54-related condition. Last evaluated: 2020-10-15. Review status: no assertion criteria provided. Collection method: clinical testing. Allele origin: germline. Not counted in ClinVar's aggregate classification.
Comment: This variant is classified as likely benign based on ACMG/AMP sequence variant interpretation guidelines (Richards et al. 2015 PMID: 25741868, with internal and published modifications).

NM_003136.4(SRP54):c.1328-9del

Gene: SRP54 (signal recognition particle 54; plus strand). Cytogenetic location: 14q13.2.
Variant type: Deletion.
Coding change: c.1328-9del on transcript NM_003136.4 (MANE Select); 9 bases into the intron before coding-DNA position 1328, one base deleted (T; older notation c.1328-9delT).
Molecular consequence: intron variant.
Genome position (GRCh38, 1-based): chr14:35,028,079, T deleted; the last of 11 consecutive T bases (chr14:35,028,069-35,028,079); deleting any one gives the same sequence. VCF-style (leftmost placement, unchanged base first): chr14-35028068-CT-C. GRCh37 (hg19) VCF-style: chr14-35497274-CT-C.
Other names: c.1181-9del (NM_001146282.2); c.1328-9delT (NM_003136.3).
Identifiers: ClinVar variation 1643159 (VCV001643159.11), dbSNP rs369411374, ClinGen allele CA7153840.
Genomic context (GRCh38, chr14:35,028,068, plus strand): 5'-CAAACTTTCTATTATACCCTGATTATACTGATTATATTACCTCCTACGCTGACTCAAAAT[CT>C]TTTTTTTTTTCCCCTCAGGTGGCGACATGTCTAAGAATGTGAGCCAGTCACAGATGGCAA-3'